The following is an entry in ClinVar:

NM_005529.7(HSPG2):c.4697A>G (p.Asn1566Ser)

Gene: HSPG2 (heparan sulfate proteoglycan 2; minus strand). Cytogenetic location: 1p36.12.
Variant type: single nucleotide variant.
Coding change: c.4697A>G on transcript NM_005529.7 (MANE Select); coding-DNA position 4697, A replaced by G.
Protein change: p.Asn1566Ser; replaces asparagine 1566 with serine.
Molecular consequence: missense variant.
Genome position (GRCh38, 1-based): chr1:21,864,143, T>C on the plus strand (A>G on the coding strand, the complement: HSPG2 is on the minus strand). VCF-style: chr1-21864143-T-C. GRCh37 (hg19) VCF-style: chr1-22190636-T-C.
Other names: c.4700A>G, p.Asn1567Ser (NM_001291860.2); short protein forms N1566S, N1567S.
Identifiers: ClinVar variation 2513288 (VCV002513288.3), dbSNP rs1385473791, ClinGen allele CA338952864.

ClinVar aggregate classification (germline): Uncertain significance. Review status: criteria provided, multiple submitters, no conflicts (2 of 4 stars). 2 submissions from 2 submitters: Uncertain significance (2). Last evaluated 2026-03-17.

Conditions:
Inborn genetic diseases. Identifiers: MedGen C0950123, MeSH D030342.

Allele frequency attached by ClinVar (database versions not stated): gnomAD exomes below 0.00001; TOPMed below 0.00001.
gnomAD v4.1: 6 of 1,557,372 alleles (0.00039%); highest among the groups gnomAD compares: Admixed American, 0.0038%; no homozygotes.

Submissions (2):

GeneDx
Classification: Uncertain significance. Last evaluated: 2026-03-17. Review status: criteria provided, single submitter. Criteria: GeneDx Variant Classification Process June 2021. Collection method: clinical testing. Allele origin: germline.
Comment: In silico analysis supports that this missense variant has a deleterious effect on protein structure/function; Has not been previously published as pathogenic or benign to our knowledge

Ambry Genetics
Classification: Uncertain significance for Inborn genetic diseases. Last evaluated: 2023-04-26. Review status: criteria provided, single submitter. Criteria: Ambry Variant Classification Scheme 2023. Collection method: clinical testing. Allele origin: germline.